The following is an entry in ClinVar:

ClinVar aggregate classification (germline): Likely pathogenic. Review status: criteria provided, single submitter (1 of 4 stars). 2 submissions from 2 submitters: Likely pathogenic (1). 1 of the submissions does not count toward it. Last evaluated 2025-07-07.

Conditions:
Nemaline myopathy 2 (NEM2). Also called: Nemaline myopathy 2, autosomal recessive. Identifiers: MedGen C1850569, MONDO:0009725, OMIM 256030.

Submissions (2):

Natera, Inc.
Classification: Likely pathogenic for Nemaline myopathy type 2. Last evaluated: 2025-07-07. Review status: criteria provided, single submitter. Criteria: Natera Variant Classification Schema (03/2026). Collection method: clinical testing. Allele origin: germline.
Comment: The c.25510-1G>C variant in NEB is a canonical splice acceptor site variant predicted to affect pre-mRNA splicing, which may result in an abnormal transcript and altered protein product. This variant may result in a truncated or dysfunctional protein product. This variant is rare in the general population with a frequency below the threshold expected for the associated phenotype(s). This variant has been observed in one or more individuals affected with the associated recessive disease, as either homozygous or compound heterozygous with a second variant (PMID: 36233295). Given the available evidence, this variant is classified as Likely Pathogenic.

Counsyl
Classification: Uncertain significance for Nemaline myopathy 2. Last evaluated: 2017-05-23. Review status: no assertion criteria provided. Collection method: clinical testing. Allele origin: unknown. Not counted in ClinVar's aggregate classification.

Literature cited by the submitters: PubMed 36233295 (cited by Natera, Inc.); PubMed 11309420 (cited by Counsyl); PubMed 21148390 (cited by Counsyl); PubMed 10931867 (cited by Counsyl); PubMed 7739042 (cited by Counsyl); PubMed 11994971 (cited by Counsyl); PubMed 11851340 (cited by Counsyl); PubMed 24046450 (cited by Counsyl).

NM_001164508.2(NEB):c.25405-1G>C

Genes: NEB (nebulin; minus strand), RIF1 (replication timing regulatory factor 1; plus strand). Cytogenetic location: 2q23.3.
Variant type: single nucleotide variant.
Coding change: c.25405-1G>C on transcript NM_001164508.2 (MANE Select); the canonical splice acceptor site of the intron before coding-DNA position 25405, G replaced by C.
Molecular consequence: splice acceptor variant.
Genome position (GRCh38, 1-based): chr2:151,485,934, C>G on the plus strand (G>C on the coding strand, the complement: NEB is on the minus strand). VCF-style: chr2-151485934-C-G. GRCh37 (hg19) VCF-style: chr2-152342448-C-G.
Other names: c.19837-1G>C (NM_004543.5); c.25405-1G>C (NM_001164507.2); c.25510-1G>C (NM_001271208.2).
Identifiers: ClinVar variation 552075 (VCV000552075.3), dbSNP rs1553508368, ClinGen allele CA348770167.